The following is an entry in ClinVar:

ClinVar aggregate classification (germline): Uncertain significance (1 of 4 stars; one submission).

Conditions:
Hereditary cancer-predisposing syndrome. Also called: Neoplastic Syndromes, Hereditary; Tumor predisposition; Hereditary Cancer Syndrome; Hereditary neoplastic syndrome. Identifiers: Orphanet 140162, MedGen C0027672, MeSH D009386, MONDO:0015356.

Submission:

Ambry Genetics
Classification: Uncertain significance for Hereditary cancer-predisposing syndrome. Last evaluated: 2018-11-08. Review status: criteria provided, single submitter. Criteria: Ambry Variant Classification Scheme 2023. Collection method: clinical testing. Allele origin: germline.
Comment: The p.G76R variant (also known as c.226G>A), located in coding exon 3 of the POT1 gene, results from a G to A substitution at nucleotide position 226. The glycine at codon 76 is replaced by arginine, an amino acid with dissimilar properties. This amino acid position is highly conserved in available vertebrate species. In addition, this alteration is predicted to be deleterious by in silico analysis. Since supporting evidence is limited at this time, the clinical significance of this alteration remains unclear.

NM_015450.3(POT1):c.226G>A (p.Gly76Arg)

Gene: POT1 (protection of telomeres 1; minus strand). Cytogenetic location: 7q31.33.
Variant type: single nucleotide variant.
Coding change: c.226G>A on transcript NM_015450.3 (MANE Select); coding-DNA position 226, G replaced by A.
Protein change: p.Gly76Arg; replaces glycine 76 with arginine.
Molecular consequence: missense variant. On other transcripts: non-coding transcript variant (3), intron variant (1).
Genome position (GRCh38, 1-based): chr7:124,870,940, C>T on the plus strand (G>A on the coding strand, the complement: POT1 is on the minus strand). VCF-style: chr7-124870940-C-T. GRCh37 (hg19) VCF-style: chr7-124510994-C-T.
Other names: c.-138-7300G>A (NM_001042594.2); short protein forms G76R.
Identifiers: ClinVar variation 820990 (VCV000820990.4), dbSNP rs1584777738, ClinGen allele CA369061374.
Genomic context (GRCh38, chr7:124,870,940, plus strand): 5'-AAATATAAGTTCTAGACAATATGAATTATACCTTCAGCCTGTGAAAGCGAACAATATCTC[C>T]ATTTTTATAAATTATTGGAAGGGCTTCATAGTTTCCACTAAAGAGCAGGCAAGTTAGTTT-3'
Protein context (NP_056265.2, residues 66-86): YEALPIIYKN[Gly76Arg]DIVRFHRLKI